The following is an entry in ClinVar:

NM_024757.5(EHMT1):c.54T>G (p.Asp18Glu)

Gene: EHMT1 (euchromatic histone lysine methyltransferase 1; plus strand). Cytogenetic location: 9q34.3.
Variant type: single nucleotide variant.
Coding change: c.54T>G on transcript NM_024757.5 (MANE Select); coding-DNA position 54, T replaced by G.
Protein change: p.Asp18Glu; replaces aspartic acid 18 with glutamic acid.
Molecular consequence: missense variant. On other transcripts: intron variant (2).
Genome position (GRCh38, 1-based): chr9:137,710,999, T>G. VCF-style: chr9-137710999-T-G. GRCh37 (hg19) VCF-style: chr9-140605451-T-G.
Other names: c.54T>G, p.Asp18Glu (NM_001145527.2, NM_001354263.2, NM_001354611.2); c.-8-5627T>G (NM_001354259.2, NM_001354612.2); short protein forms D18E.
Identifiers: ClinVar variation 2802459 (VCV002802459.3), dbSNP rs768935714, ClinGen allele CA5374124.

ClinVar aggregate classification (germline): Uncertain significance (1 of 4 stars; one submission).

Conditions:
Kleefstra syndrome 1 (KLEFS1). Identifiers: Orphanet 261494, MedGen C0795833, MONDO:0027407, OMIM 610253.

Allele frequency attached by ClinVar (database versions not stated): ExAC 0.00002.

Submission:

Labcorp Genetics (formerly Invitae), Labcorp
Classification: Uncertain significance for Kleefstra syndrome 1. Last evaluated: 2023-03-02. Review status: criteria provided, single submitter. Criteria: Invitae Variant Classification Sherloc (09022015). Collection method: clinical testing. Allele origin: germline.
Comment: In summary, the available evidence is currently insufficient to determine the role of this variant in disease. Therefore, it has been classified as a Variant of Uncertain Significance. An algorithm developed to predict the effect of missense changes on protein structure and function (PolyPhen-2) suggests that this variant is likely to be tolerated. This variant has not been reported in the literature in individuals affected with EHMT1-related conditions. This variant is present in population databases (rs768935714, gnomAD 0.001%). This sequence change replaces aspartic acid, which is acidic and polar, with glutamic acid, which is acidic and polar, at codon 18 of the EHMT1 protein (p.Asp18Glu).